The following is an entry in ClinVar:

NM_001142800.2(EYS):c.5263G>A (p.Asp1755Asn)

Gene: EYS (eyes shut homolog; minus strand). Cytogenetic location: 6q12.
Variant type: single nucleotide variant.
Coding change: c.5263G>A on transcript NM_001142800.2 (MANE Select); coding-DNA position 5263, G replaced by A.
Protein change: p.Asp1755Asn; replaces aspartic acid 1755 with asparagine.
Molecular consequence: missense variant.
Genome position (GRCh38, 1-based): chr6:64,590,604, C>T on the plus strand (G>A on the coding strand, the complement: EYS is on the minus strand). VCF-style: chr6-64590604-C-T. GRCh37 (hg19) VCF-style: chr6-65300497-C-T.
Other names: c.5263G>A, p.Asp1755Asn (NM_001292009.2); c.5263G>A (NM_001142800.1); short protein forms D1755N.
Identifiers: ClinVar variation 1351419 (VCV001351419.5), dbSNP rs772953910, ClinGen allele CA140340896.

ClinVar aggregate classification (germline): Uncertain significance. Review status: criteria provided, multiple submitters, no conflicts (2 of 4 stars). 3 submissions from 3 submitters: Uncertain significance (2). 1 of the submissions does not count toward it. Last evaluated 2023-10-01.

Conditions:
Retinitis pigmentosa 25 (RP25). Identifiers: Orphanet 791, MedGen C1864446, MONDO:0011272, OMIM 602772.
Retinal dystrophy. Also called: Inherited retinal dystrophy. Identifiers: Orphanet 71862, MedGen C0854723, MeSH D058499, MONDO:0019118, HP:0000556.

gnomAD v4.1: 5 of 1,551,260 alleles (0.00032%); highest among the groups gnomAD compares: Non-Finnish European, 0.00044%; no homozygotes.

Submissions (3):

Dept Of Ophthalmology, Nagoya University
Classification: Uncertain significance for Retinal dystrophy. Last evaluated: 2023-10-01. Review status: criteria provided, single submitter. Criteria: Submitter's publication. Collection method: research. Allele origin: germline. Affected: yes.

Labcorp Genetics (formerly Invitae), Labcorp
Classification: Uncertain significance. Last evaluated: 2021-10-27. Review status: criteria provided, single submitter. Criteria: Invitae Variant Classification Sherloc (09022015). Collection method: clinical testing. Allele origin: germline.
Comment: This sequence change replaces aspartic acid, a(n) acidic and polar amino acid, with asparagine, a(n) neutral and polar amino acid, at codon 1755 of the EYS protein (p.Asp1755Asn). This variant is present in population databases (rs772953910, gnomAD 0.004%). This variant has not been reported in the literature in individuals affected with EYS-related conditions. Algorithms developed to predict the effect of missense changes on protein structure and function output the following: SIFT: "Tolerated"; PolyPhen-2: "Possibly Damaging"; Align-GVGD: "Class C0". The asparagine amino acid residue is found in multiple mammalian species, which suggests that this missense change does not adversely affect protein function. In summary, the available evidence is currently insufficient to determine the role of this variant in disease. Therefore, it has been classified as a Variant of Uncertain Significance.

Natera, Inc.
Classification: Uncertain significance for Retinitis pigmentosa type 25. Last evaluated: 2025-04-10. Review status: no assertion criteria provided. Collection method: clinical testing. Allele origin: germline. Not counted in ClinVar's aggregate classification.